The following is an entry in ClinVar:

ClinVar aggregate classification (germline): Uncertain significance. Review status: criteria provided, multiple submitters, no conflicts (2 of 4 stars). 2 submissions from 2 submitters: Uncertain significance (2). Last evaluated 2025-01-29.

Conditions:
Inborn genetic diseases. Identifiers: MedGen C0950123, MeSH D030342.

Allele frequency attached by ClinVar (database versions not stated): gnomAD exomes below 0.00001; gnomAD 0.00001; TOPMed 0.00001.
gnomAD v4.1: 5 of 1,613,564 alleles (0.00031%); highest among the groups gnomAD compares: Non-Finnish European, 0.00034%; no homozygotes.

Submissions (2):

Labcorp Genetics (formerly Invitae), Labcorp
Classification: Uncertain significance. Last evaluated: 2025-01-29. Review status: criteria provided, single submitter. Criteria: Invitae Variant Classification Sherloc (09022015). Collection method: clinical testing. Allele origin: germline.
Comment: This sequence change replaces aspartic acid, which is acidic and polar, with asparagine, which is neutral and polar, at codon 1441 of the POLR1A protein (p.Asp1441Asn). This variant is not present in population databases (gnomAD no frequency). This variant has not been reported in the literature in individuals affected with POLR1A-related conditions. ClinVar contains an entry for this variant (Variation ID: 2252545). Invitae Evidence Modeling of protein sequence and biophysical properties (such as structural, functional, and spatial information, amino acid conservation, physicochemical variation, residue mobility, and thermodynamic stability) indicates that this missense variant is not expected to disrupt POLR1A protein function with a negative predictive value of 80%. In summary, the available evidence is currently insufficient to determine the role of this variant in disease. Therefore, it has been classified as a Variant of Uncertain Significance.

Ambry Genetics
Classification: Uncertain significance for Inborn genetic diseases. Last evaluated: 2021-09-27. Review status: criteria provided, single submitter. Criteria: Ambry Variant Classification Scheme 2023. Collection method: clinical testing. Allele origin: germline.

NM_015425.6(POLR1A):c.4321G>A (p.Asp1441Asn)

Gene: POLR1A (RNA polymerase I subunit A; minus strand). Cytogenetic location: 2p11.2.
Variant type: single nucleotide variant.
Coding change: c.4321G>A on transcript NM_015425.6 (MANE Select); coding-DNA position 4321, G replaced by A.
Protein change: p.Asp1441Asn; replaces aspartic acid 1441 with asparagine.
Molecular consequence: missense variant.
Genome position (GRCh38, 1-based): chr2:86,031,587, C>T on the plus strand (G>A on the coding strand, the complement: POLR1A is on the minus strand). VCF-style: chr2-86031587-C-T. GRCh37 (hg19) VCF-style: chr2-86258710-C-T.
Other names: short protein forms D1441N.
Identifiers: ClinVar variation 2252545 (VCV002252545.4), dbSNP rs933622738, ClinGen allele CA51366744.